The following is an entry in ClinVar:

ClinVar aggregate classification (germline): Uncertain significance (1 of 4 stars; one submission).

Conditions:
ITSN1-related disorder. Also called: ITSN1-related condition.

Submission:

PreventionGenetics, part of Exact Sciences
Classification: Uncertain significance for ITSN1-related condition. Last evaluated: 2025-06-11. Review status: criteria provided, single submitter. Criteria: ACMG Guidelines, 2015. Collection method: clinical testing. Allele origin: germline.
Comment: The ITSN1 c.3623A>T variant is predicted to result in the amino acid substitution p.Tyr1208Phe. To our knowledge, this variant has not been reported in the literature or in a large population database (gnomAD), indicating this variant is rare. At this time, the clinical significance of this variant is uncertain due to the absence of conclusive functional and genetic evidence.

NM_003024.3(ITSN1):c.3623A>T (p.Tyr1208Phe)

Gene: ITSN1 (intersectin 1; plus strand). Cytogenetic location: 21q22.11.
Variant type: single nucleotide variant.
Coding change: c.3623A>T on transcript NM_003024.3 (MANE Select); coding-DNA position 3623, A replaced by T.
Protein change: p.Tyr1208Phe; replaces tyrosine 1208 with phenylalanine.
Molecular consequence: missense variant.
Genome position (GRCh38, 1-based): chr21:33,836,594, A>T. VCF-style: chr21-33836594-A-T. GRCh37 (hg19) VCF-style: chr21-35208898-A-T.
Other names: c.3623A>T, p.Tyr1208Phe (NM_001001132.2); c.3410A>T, p.Tyr1137Phe (NM_001331008.2); c.3608A>T, p.Tyr1203Phe (NM_001331009.2, NM_001331010.2); c.3395A>T, p.Tyr1132Phe (NM_001331011.2); c.3497A>T, p.Tyr1166Phe (NM_001331012.2); short protein forms Y1132F, Y1137F, Y1208F, Y1166F, Y1203F.
Identifiers: ClinVar variation 5000023 (VCV005000023.1).